The following is an entry in ClinVar:

NM_006231.4(POLE):c.6330+1G>A

Gene: POLE (DNA polymerase epsilon, catalytic subunit; minus strand). Cytogenetic location: 12q24.33.
Variant type: single nucleotide variant.
Coding change: c.6330+1G>A on transcript NM_006231.4 (MANE Select); the canonical splice donor site of the intron after coding-DNA position 6330, G replaced by A.
Molecular consequence: splice donor variant.
Genome position (GRCh38, 1-based): chr12:132,632,314, C>T on the plus strand (G>A on the coding strand, the complement: POLE is on the minus strand). VCF-style: chr12-132632314-C-T. GRCh37 (hg19) VCF-style: chr12-133208900-C-T.
Other names: c.6330+1G>A (NM_006231.2).
Identifiers: ClinVar variation 571481 (VCV000571481.10), dbSNP rs768952241, ClinGen allele CA6892222.
Genomic context (GRCh38, chr12:132,632,314, plus strand): 5'-CATTCTCGCCTTACACATGTACGTTAGTGTCCTCTCCTCACACGCACGCTGGCACTCTCA[C>T]CTTGCACACGTATTTGATGAACTCCAGGGCAGGGTTATTGAGCAGCAAGTGGGAACCGGG-3'

ClinVar aggregate classification (germline): Conflicting classifications of pathogenicity. Review status: criteria provided, conflicting classifications (1 of 4 stars). 2 submissions from 2 submitters: Likely pathogenic (1); Uncertain significance (1). Last evaluated 2026-04-03.

Conditions:
Hereditary cancer-predisposing syndrome. Also called: Tumor predisposition; Hereditary Cancer Syndrome; Neoplastic Syndromes, Hereditary; Hereditary neoplastic syndrome. Identifiers: Orphanet 140162, MedGen C0027672, MeSH D009386, MONDO:0015356.

Allele frequency attached by ClinVar (database versions not stated): gnomAD exomes 0.00001 and below 0.00001; TOPMed below 0.00001; ExAC 0.00002.
gnomAD v4.1: 2 of 1,613,060 alleles (0.00012%); highest among the groups gnomAD compares: Admixed American, 0.0033%; no homozygotes.

Submissions (2):

Ambry Genetics
Classification: Uncertain significance for Hereditary cancer-predisposing syndrome. Last evaluated: 2026-04-03. Review status: criteria provided, single submitter. Criteria: Ambry Variant Classification Scheme 2023. Collection method: clinical testing. Allele origin: germline.
Comment: The c.6330+1G>A intronic variant results from a G to A substitution one nucleotide after coding exon 45 of the POLE gene. This nucleotide position is highly conserved in available vertebrate species. In silico splice site analysis predicts that this alteration will weaken the native splice donor site. Alterations that disrupt the canonical splice site are expected to cause aberrant splicing, resulting in an abnormal protein or a transcript that is subject to nonsense-mediated mRNA decay. Although biallelic loss of function of POLE has been associated with autosomal recessive POLE deficiency, haploinsufficiency of POLE has not been established as a mechanism of disease for POLE-related polymerase proofreading-associated polyposis (PPAP) and POLE-related CMMRD-like syndrome. Based on the supporting evidence, this variant is expected to be causative of POLE deficiency when present along with a second pathogenic variant on the other allele; however, its clinical significance for PPAP and POLE-related CMMRD-like syndrome is unclear.

Labcorp Genetics (formerly Invitae), Labcorp
Classification: Likely pathogenic. Last evaluated: 2022-05-11. Review status: criteria provided, single submitter. Criteria: Invitae Variant Classification Sherloc (09022015). Collection method: clinical testing. Allele origin: germline.
Comment: This variant has not been reported in the literature in individuals affected with POLE-related conditions. In summary, the currently available evidence indicates that the variant is pathogenic, but additional data are needed to prove that conclusively. Therefore, this variant has been classified as Likely Pathogenic. Algorithms developed to predict the effect of sequence changes on RNA splicing suggest that this variant may disrupt the consensus splice site. ClinVar contains an entry for this variant (Variation ID: 571481). This variant is present in population databases (rs768952241, gnomAD 0.006%). This sequence change affects a donor splice site in intron 45 of the POLE gene. It is expected to disrupt RNA splicing. Variants that disrupt the donor or acceptor splice site typically lead to a loss of protein function (PMID: 16199547), and loss-of-function variants in POLE are known to be pathogenic (PMID: 23230001, 25948378, 30503519).

Literature cited by the submitters: PubMed 16199547 (cited by Labcorp Genetics (formerly Invitae), Labcorp); PubMed 23230001 (cited by Labcorp Genetics (formerly Invitae), Labcorp); PubMed 25948378 (cited by Labcorp Genetics (formerly Invitae), Labcorp); PubMed 30503519 (cited by Labcorp Genetics (formerly Invitae), Labcorp).